The following is an entry in ClinVar:

NM_000070.3(CAPN3):c.1984G>T (p.Ala662Ser)

Gene: CAPN3 (calpain 3; plus strand). Cytogenetic location: 15q15.1.
Variant type: single nucleotide variant.
Coding change: c.1984G>T on transcript NM_000070.3 (MANE Select); coding-DNA position 1984, G replaced by T.
Protein change: p.Ala662Ser; replaces alanine 662 with serine.
Molecular consequence: missense variant. On other transcripts: 5 prime UTR variant (2).
Genome position (GRCh38, 1-based): chr15:42,409,372, G>T. VCF-style: chr15-42409372-G-T. GRCh37 (hg19) VCF-style: chr15-42701570-G-T.
Other names: c.1966G>T, p.Ala656Ser (NM_024344.2); c.1708G>T, p.Ala570Ser (NM_173087.2); c.448G>T, p.Ala150Ser (NM_173088.2); c.-12G>T (NM_173089.2, NM_173090.2); short protein forms A662S, A570S, A656S, A150S.
Identifiers: ClinVar variation 468646 (VCV000468646.24), dbSNP rs187054121, ClinGen allele CA7511628.

ClinVar aggregate classification (germline): Uncertain significance. Review status: criteria provided, multiple submitters, no conflicts (2 of 4 stars). 10 submissions from 10 submitters: Uncertain significance (9). 1 of the submissions does not count toward it. Last evaluated 2025-07-07.

Conditions:
Muscular dystrophy, limb-girdle, autosomal dominant 4. Also called: Calpain-3-related limb-girdle muscular dystrophy D4; MUSCULAR DYSTROPHY, LIMB-GIRDLE, TYPE 1I. Identifiers: Orphanet 565909, MedGen C4748295, MONDO:0029133, OMIM 618129.
Autosomal recessive limb-girdle muscular dystrophy type 2A (LGMDR1). Also called: Calpainopathy; LEYDEN-MOEBIUS MUSCULAR DYSTROPHY; MUSCULAR DYSTROPHY, PELVOFEMORAL; Limb-girdle muscular dystrophy, type 2A; Muscular dystrophy, limb-girdle, type 2A, Amish. Identifiers: Orphanet 267, MedGen C1869123, MONDO:0009675, OMIM 253600. Disease mechanism: loss of function.

Allele frequency attached by ClinVar (database versions not stated): ESP Exome Variant Server 0.00008; gnomAD 0.00011; TOPMed 0.00011; 1000 Genomes Project 30x 0.00016.
gnomAD v4.1: 382 of 1,614,126 alleles (0.024%); highest among the groups gnomAD compares: South Asian, 0.19%; 1 homozygote.

Submissions (10):

Women's Health and Genetics/Laboratory Corporation of America, LabCorp
Classification: Uncertain significance. Last evaluated: 2025-07-07. Review status: criteria provided, single submitter. Criteria: LabCorp Variant Classification Summary - May 2015. Collection method: clinical testing. Allele origin: germline.
Comment: Variant summary: CAPN3 c.1984G>T (p.Ala662Ser) results in a conservative amino acid change located in the penta-EF-hand (PEF) domain (IPR029531) of the encoded protein sequence. Algorithms developed to predict the effect of missense changes on protein structure and function are either unavailable or do not agree on the potential impact of this missense change. The variant allele was found at a frequency of 0.00032 in 251350 control chromosomes, predominantly at a frequency of 0.0018 within the South Asian subpopulation in the gnomAD database. This frequency is not significantly higher than estimated for a pathogenic variant in CAPN3 causing Limb-Girdle Muscular Dystrophy, Autosomal Recessive (0.00032 vs 0.0032), allowing no conclusion about variant significance. c.1984G>T has been observed in at least one compound heterozygous individual or in heterozygous state without identifying a second variant in individuals affected with Limb-Girdle Muscular Dystrophy (Fanin_20072009, Piluso_2005, Fanin_2007, Nallamilli_2018). These data do not allow any conclusion about variant significance. To our knowledge, no experimental evidence demonstrating an impact on protein function has been reported. The following publications have been ascertained in the context of this evaluation (PMID: 16971480, 18854869, 30564623, 16141003). ClinVar contains an entry for this variant (Variation ID: 468646). Based on the evidence outlined above, the variant was classified as uncertain significance.

Labcorp Genetics (formerly Invitae), Labcorp
Classification: Uncertain significance for Autosomal recessive limb-girdle muscular dystrophy type 2A. Last evaluated: 2024-10-28. Review status: criteria provided, single submitter. Criteria: Invitae Variant Classification Sherloc (09022015). Collection method: clinical testing. Allele origin: germline.
Comment: This sequence change replaces alanine, which is neutral and non-polar, with serine, which is neutral and polar, at codon 662 of the CAPN3 protein (p.Ala662Ser). This variant is present in population databases (rs187054121, gnomAD 0.2%). This missense change has been observed in individual(s) with limb-girdle muscular dystrophy (PMID: 1691480, 16141003, 18854869). ClinVar contains an entry for this variant (Variation ID: 468646). Invitae Evidence Modeling of protein sequence and biophysical properties (such as structural, functional, and spatial information, amino acid conservation, physicochemical variation, residue mobility, and thermodynamic stability) indicates that this missense variant is not expected to disrupt CAPN3 protein function with a negative predictive value of 80%. In summary, the available evidence is currently insufficient to determine the role of this variant in disease. Therefore, it has been classified as a Variant of Uncertain Significance.

Revvity Omics, Revvity
Classification: Uncertain significance. Last evaluated: 2024-10-22. Review status: criteria provided, single submitter. Criteria: ACMG Guidelines, 2015. Collection method: clinical testing. Allele origin: germline.

Blueprint Genetics
Classification: Uncertain significance. Last evaluated: 2024-10-07. Review status: criteria provided, single submitter. Criteria: ACMG Guidelines, 2015. Collection method: clinical testing. Allele origin: germline.

Fulgent Genetics
Classification: Uncertain significance for Autosomal recessive limb-girdle muscular dystrophy type 2A; Muscular dystrophy, limb-girdle, autosomal dominant 4. Last evaluated: 2021-09-01. Review status: criteria provided, single submitter. Criteria: ACMG Guidelines, 2015. Collection method: clinical testing. Allele origin: unknown.

Pars Genome Lab
Classification: Uncertain significance for Autosomal recessive limb-girdle muscular dystrophy type 2A. Last evaluated: 2021-05-18. Review status: criteria provided, single submitter. Criteria: ACMG Guidelines, 2015. Collection method: clinical testing. Allele origin: germline. Affected: no.

GeneDx
Classification: Uncertain significance. Last evaluated: 2019-07-19. Review status: criteria provided, single submitter. Criteria: GeneDx Variant Classification Process June 2021. Collection method: clinical testing. Allele origin: germline. Affected: yes.
Comment: Reported previously in a patient with late-onset limb-girdle muscular dystrophy who did not have a second identifiable pathogenic CAPN3 variant (Fanin et al., 2007); Reported previously in a patient with limb-girdle muscular dystrophy who harbored another CAPN3 missense variant and results of a functional test showed this patient had loss of calpain-3 of autolytic activity (Fanin et al., 2009); In silico analysis, which includes protein predictors and evolutionary conservation, supports that this variant does not alter protein structure/function; This variant is associated with the following publications: (PMID: 18854869, 1691480, 25898921, 16971480, 16141003, 25525159)

Eurofins Ntd Llc (ga)
Classification: Uncertain significance. Last evaluated: 2018-06-08. Review status: criteria provided, single submitter. Criteria: EGL ClinVar v180209 classification definitions. Collection method: clinical testing. Allele origin: germline. Observed: 2 variant alleles, 2 heterozygotes.

Illumina Laboratory Services, Illumina
Classification: Uncertain significance for Limb-girdle muscular dystrophy, type 2A. Last evaluated: 2017-04-27. Review status: criteria provided, single submitter. Criteria: ICSL Variant Classification Criteria 13 December 2019. Collection method: clinical testing. Allele origin: germline.
Comment: This variant was observed as part of a predisposition screen in an ostensibly healthy population. A literature search was performed for the gene, cDNA change, and amino acid change (where applicable). Publications were found based on this search. However, the evidence from the literature, in combination with allele frequency data from public databases where available, was not sufficient to rule this variant in or out of causing disease. Therefore, this variant is classified as a variant of unknown significance.

Natera, Inc.
Classification: Uncertain significance for Limb-girdle muscular dystrophy type 2A. Last evaluated: 2020-09-16. Review status: no assertion criteria provided. Collection method: clinical testing. Allele origin: germline. Not counted in ClinVar's aggregate classification.

Literature cited by the submitters: PubMed 30564623 (cited by Women's Health and Genetics/Laboratory Corporation of America, LabCorp); PubMed 18854869 (cited by Women's Health and Genetics/Laboratory Corporation of America, LabCorp and Labcorp Genetics (formerly Invitae), Labcorp); PubMed 16141003 (cited by 4 submitters); PubMed 16971480 (cited by 3 submitters); PubMed 1691480 (cited by Labcorp Genetics (formerly Invitae), Labcorp).